The following is an entry in ClinVar:

ClinVar aggregate classification (germline): Conflicting classifications of pathogenicity. Review status: criteria provided, conflicting classifications (1 of 4 stars). 4 submissions from 4 submitters: Uncertain significance (2); Likely benign (1). 1 of the submissions does not count toward it. Last evaluated 2025-01-11.

Conditions:
Cardiovascular phenotype. Identifiers: MedGen CN230736.
Long QT syndrome (LQTS). Identifiers: MedGen C0023976, MeSH D008133, MONDO:0002442. Disease mechanism: loss of function. Inheritance: Various modes of inheritance.

Allele frequency attached by ClinVar (database versions not stated): 1000 Genomes Project 30x 0.00031; gnomAD exomes 0.00002 and 0.00005; ExAC 0.00007; TOPMed 0.00022; 1000 Genomes Project 0.00040; ESP Exome Variant Server 0.00023; gnomAD 0.00017.
gnomAD v4.1: 55 of 1,614,108 alleles (0.0034%); highest among the groups gnomAD compares: African/African-American, 0.071%; no homozygotes.

Submissions (4):

Labcorp Genetics (formerly Invitae), Labcorp
Classification: Uncertain significance for Long QT syndrome. Last evaluated: 2025-01-11. Review status: criteria provided, single submitter. Criteria: Invitae Variant Classification Sherloc (09022015). Collection method: clinical testing. Allele origin: germline.
Comment: This sequence change replaces serine, which is neutral and polar, with alanine, which is neutral and non-polar, at codon 144 of the SNTA1 protein (p.Ser144Ala). This variant is present in population databases (rs142978180, gnomAD 0.06%), and has an allele count higher than expected for a pathogenic variant. This missense change has been observed in individual(s) with sudden infant death syndrome (PMID: 24981977). ClinVar contains an entry for this variant (Variation ID: 426680). Invitae Evidence Modeling of protein sequence and biophysical properties (such as structural, functional, and spatial information, amino acid conservation, physicochemical variation, residue mobility, and thermodynamic stability) indicates that this missense variant is not expected to disrupt SNTA1 protein function with a negative predictive value of 80%. In summary, the available evidence is currently insufficient to determine the role of this variant in disease. Therefore, it has been classified as a Variant of Uncertain Significance.

Ambry Genetics
Classification: Likely benign for Cardiovascular phenotype. Last evaluated: 2022-12-30. Review status: criteria provided, single submitter. Criteria: Ambry Variant Classification Scheme 2023. Collection method: clinical testing. Allele origin: germline.

GeneDx
Classification: Uncertain significance. Last evaluated: 2017-04-07. Review status: criteria provided, single submitter. Criteria: GeneDx Variant Classification (06012015). Collection method: clinical testing. Allele origin: germline. Affected: yes.
Comment: A variant of uncertain significance has been identified in the SNTA1 gene. The S144A variant has been previously reported in one case of sudden infant death syndrome (SIDS) (Brion et al., 2014); however, this infant also harbored an additional missense variant in the KCNE1 gene and no further clinical details or segregation studies were described. The S144A variant has also been observed in 8/10406 (0.08%) alleles from individuals of African ancestry in large population cohorts (Lek et al., 2016; 1000 Genomes Consortium et al., 2015; Exome Variant Server). The S144A variant is a non-conservative amino acid substitution, which is likely to impact secondary protein structure as these residues differ in polarity, charge, size and/or other properties. Additionally, this substitution occurs at a position that is conserved in mammals. Nevertheless, in silico analysis is inconsistent in its predictions as to whether or not the variant is damaging to the protein structure/function.

Department of Pathology and Laboratory Medicine, Sinai Health System
Classification: Uncertain significance. Review status: no assertion criteria provided. Collection method: clinical testing. Allele origin: unknown. Affected: yes. Study: The Canadian Open Genetics Repository (COGR). Not counted in ClinVar's aggregate classification.
Comment: The SNTA1 p.S144A variant was not identified in the literature but was identified in dbSNP (ID: rs142978180) and ClinVar (classified as uncertain significance by GeneDx and Ambry Genetics). The variant was identified in control databases in 15 of 282886 chromosomes at a frequency of 0.00005302, and was observed only in the African population in 15 of 24970 chromosomes (freq: 0.0006007) (Genome Aggregation Database March 6, 2019, v2.1.1). The p.S144 residue is conserved in mammals and computational analyses (MUT Assesor, PolyPhen-2, SIFT, MutationTaster, Revel, FATHMM, MetaLR, DANN) provide inconsistent predictions regarding the impact to the protein; this information is not very predictive of pathogenicity. The variant occurs outside of the splicing consensus sequence and in silico or computational prediction software programs (Splice AI exome) do not predict a difference in splicing. In summary, based on the above information the clinical significance of this variant cannot be determined with certainty at this time. This variant is classified as a variant of uncertain significance.

Literature cited by the submitters: PubMed 24981977 (cited by Labcorp Genetics (formerly Invitae), Labcorp and Ambry Genetics).

NM_003098.3(SNTA1):c.430T>G (p.Ser144Ala)

Gene: SNTA1 (syntrophin alpha 1; minus strand). Cytogenetic location: 20q11.21.
Variant type: single nucleotide variant.
Coding change: c.430T>G on transcript NM_003098.3 (MANE Select); coding-DNA position 430, T replaced by G.
Protein change: p.Ser144Ala; replaces serine 144 with alanine.
Molecular consequence: missense variant.
Genome position (GRCh38, 1-based): chr20:33,438,907, A>C on the plus strand (T>G on the coding strand, the complement: SNTA1 is on the minus strand). VCF-style: chr20-33438907-A-C. GRCh37 (hg19) VCF-style: chr20-32026713-A-C.
Other names: short protein forms S144A.
Identifiers: ClinVar variation 426680 (VCV000426680.14), dbSNP rs142978180, ClinGen allele CA9817229.